The following is an entry in ClinVar:

ClinVar aggregate classification (germline): Conflicting classifications of pathogenicity. Review status: criteria provided, conflicting classifications (1 of 4 stars). 4 submissions from 4 submitters: Uncertain significance (2); Benign (1); Likely benign (1). Last evaluated 2026-01-12.

Conditions:
Hereditary spastic paraplegia 4. Also called: Spastic Paraplegia 4; Spastic paraplegia 4, autosomal dominant; Familial spastic paraplegia autosomal dominant 2. Identifiers: Orphanet 100985, MedGen C1866855, MONDO:0008438, OMIM 182601.

Allele frequency attached by ClinVar (database versions not stated): gnomAD 0.00002 and 0.00003; gnomAD exomes 0.00004 and 0.00005; TOPMed 0.00004; ExAC 0.00005.
gnomAD v4.1: 82 of 1,606,694 alleles (0.0051%); highest among the groups gnomAD compares: Admixed American, 0.027%; no homozygotes.

Submissions (4):

Labcorp Genetics (formerly Invitae), Labcorp
Classification: Likely benign for Hereditary spastic paraplegia 4. Last evaluated: 2026-01-12. Review status: criteria provided, single submitter. Criteria: Invitae Variant Classification Sherloc (09022015). Collection method: clinical testing. Allele origin: germline.

Baylor Genetics
Classification: Uncertain significance for Hereditary spastic paraplegia 4. Last evaluated: 2020-06-26. Review status: criteria provided, single submitter. Criteria: ACMG Guidelines, 2015. Collection method: clinical testing. Allele origin: maternal. Affected: yes.
Comment: This variant was determined to be of uncertain significance according to ACMG Guidelines, 2015 [PMID:25741868].

Genetic Services Laboratory, University of Chicago
Classification: Uncertain significance. Last evaluated: 2020-02-03. Review status: criteria provided, single submitter. Criteria: ACMG Guidelines, 2015. Collection method: clinical testing. Allele origin: germline. Affected: no.

Illumina Laboratory Services, Illumina
Classification: Benign for Hereditary spastic paraplegia 4. Last evaluated: 2017-04-28. Review status: criteria provided, single submitter. Criteria: ICSL Variant Classification Criteria 13 December 2019. Collection method: clinical testing. Allele origin: germline.
Comment: This variant was observed as part of a predisposition screen in an ostensibly healthy population. A literature search was performed for the gene, cDNA change, and amino acid change (where applicable). Publications were found based on this search. The evidence from the literature, in combination with allele frequency data from public databases where available, was sufficient to rule this variant out of causing disease. Therefore, this variant is classified as benign.

Literature cited by the submitters: PubMed 20932283 (cited by Illumina Laboratory Services, Illumina).

NM_014946.4(SPAST):c.878C>T (p.Pro293Leu)

Gene: SPAST (spastin; plus strand). Cytogenetic location: 2p22.3.
Variant type: single nucleotide variant.
Coding change: c.878C>T on transcript NM_014946.4 (MANE Select); coding-DNA position 878, C replaced by T.
Protein change: p.Pro293Leu; replaces proline 293 with leucine.
Molecular consequence: missense variant.
Genome position (GRCh38, 1-based): chr2:32,115,709, C>T. VCF-style: chr2-32115709-C-T. GRCh37 (hg19) VCF-style: chr2-32340778-C-T.
Other names: c.875C>T, p.Pro292Leu (NM_001363823.2); c.779C>T, p.Pro260Leu (NM_001363875.2); c.782C>T, p.Pro261Leu (NM_001377959.1, NM_199436.2); short protein forms P260L, P261L, P292L, P293L.
Identifiers: ClinVar variation 895927 (VCV000895927.13), dbSNP rs773193617, ClinGen allele CA1600735.
Genomic context (GRCh38, chr2:32,115,709, plus strand): 5'-AAAAGTGTAAATGTTAGGTTGTATTTTCATATTAAAATTTTGTATCCTTTAAGGGTACTC[C>T]GAAAACAAATAGGACAAATAAACCTTCTACCCCTACAACTGCTACTCGTAAGAAAAAAGA-3'
Protein context (NP_055761.2, residues 283-303): GPAPTTHKGT[Pro293Leu]KTNRTNKPST